The following is an entry in ClinVar:

NM_013262.4(MYLIP):c.1114C>T (p.Arg372Trp)

Gene: MYLIP (myosin regulatory light chain interacting protein; plus strand). Cytogenetic location: 6p22.3.
Variant type: single nucleotide variant.
Coding change: c.1114C>T on transcript NM_013262.4 (MANE Select); coding-DNA position 1114, C replaced by T.
Protein change: p.Arg372Trp; replaces arginine 372 with tryptophan.
Molecular consequence: missense variant.
Genome position (GRCh38, 1-based): chr6:16,145,183, C>T. VCF-style: chr6-16145183-C-T. GRCh37 (hg19) VCF-style: chr6-16145414-C-T.
Other names: short protein forms R372W.
Identifiers: ClinVar variation 2175583 (VCV002175583.4), dbSNP rs141183183, ClinGen allele CA3644644.

ClinVar aggregate classification (germline): Uncertain significance (1 of 4 stars; one submission).

Allele frequency attached by ClinVar (database versions not stated): ExAC 0.00007; gnomAD exomes 0.00007; ESP Exome Variant Server 0.00015; TOPMed 0.00029; gnomAD 0.00034.
gnomAD v4.1: 162 of 1,614,136 alleles (0.01%); highest among the groups gnomAD compares: Admixed American, 0.092%; 2 homozygotes.

Submission:

Labcorp Genetics (formerly Invitae), Labcorp
Classification: Uncertain significance. Last evaluated: 2025-09-05. Review status: criteria provided, single submitter. Criteria: Invitae Variant Classification Sherloc (09022015). Collection method: clinical testing. Allele origin: germline.
Comment: This sequence change replaces arginine, which is basic and polar, with tryptophan, which is neutral and slightly polar, at codon 372 of the MYLIP protein (p.Arg372Trp). This variant is present in population databases (rs141183183, gnomAD 0.05%). This missense change has been observed in individual(s) with dyslipidemia (PMID: 32041611). ClinVar contains an entry for this variant (Variation ID: 2175583). An algorithm developed to predict the effect of missense changes on protein structure and function (PolyPhen-2) suggests that this variant is likely to be tolerated. In summary, the available evidence is currently insufficient to determine the role of this variant in disease. Therefore, it has been classified as a Variant of Uncertain Significance.

Literature cited by the submitters: PubMed 32041611.